The following is an entry in ClinVar:

NM_004999.4(MYO6):c.2571_2574del (p.Ser858fs)

Gene: MYO6 (myosin VI; plus strand). Cytogenetic location: 6q14.1.
Variant type: Deletion.
Coding change: c.2571_2574del on transcript NM_004999.4 (MANE Select); coding-DNA positions 2571 to 2574, 4 bases deleted (CAGT; older notation c.2571_2574delCAGT).
Protein change: p.Ser858fs; shifts the reading frame from serine 858.
Molecular consequence: frameshift variant. On other transcripts: non-coding transcript variant (1).
Genome position (GRCh38, 1-based): chr6:75,886,907-75,886,910, CAGT deleted; deleting any 4 consecutive bases within chr6:75,886,904-75,886,910 gives the same sequence; the c. name uses the placement nearest the transcript's 3' end. VCF-style (leftmost placement, unchanged base first): chr6-75886903-TAGTC-T. GRCh37 (hg19) VCF-style: chr6-76596620-TAGTC-T.
Other names: c.2571_2574del, p.Ser858fs (NM_001300899.2, NM_001368136.1, NM_001368137.1 and 2 more transcripts); c.2556_2559del, p.Ser853fs (NM_001368138.1); short protein forms S853fs, S858fs.
Identifiers: ClinVar variation 1073626 (VCV001073626.7), dbSNP rs2149359004, ClinGen allele CA2499218568.

ClinVar aggregate classification (germline): Pathogenic (1 of 4 stars; one submission).

Submission:

Labcorp Genetics (formerly Invitae), Labcorp
Classification: Pathogenic. Last evaluated: 2018-06-13. Review status: criteria provided, single submitter. Criteria: Invitae Variant Classification Sherloc (09022015). Collection method: clinical testing. Allele origin: germline.
Comment: For these reasons, this variant has been classified as Pathogenic. Loss-of-function variants in MYO6 are known to be pathogenic (PMID: 18348273, 23767834, 25999546). This variant has not been reported in the literature in individuals with MYO6-related disease. This variant is not present in population databases (ExAC no frequency). This sequence change creates a premature translational stop signal (p.Ser858Cysfs*2) in the MYO6 gene. It is expected to result in an absent or disrupted protein product.

Literature cited by the submitters: PubMed 18348273; PubMed 23767834; PubMed 25999546.